The following is an entry in ClinVar:

ClinVar aggregate classification (germline): Uncertain significance (1 of 4 stars; one submission).

Conditions:
Granulomatous disease, chronic, autosomal recessive, cytochrome b-positive, type 2. Also called: Chronic granulomatous disease due to deficiency of NCF-2; Chronic Granulomatous Disease, Autosomal Recessive, Cytochrome b-Positive, Type II; GRANULOMATOUS DISEASE, CHRONIC, DUE TO NCF2 DEFICIENCY; CGD, AUTOSOMAL RECESSIVE CYTOCHROME b-POSITIVE, TYPE II; GRANULOMATOUS DISEASE, CHRONIC, AUTOSOMAL RECESSIVE, 2. Identifiers: Orphanet 379, MedGen C1856245, MONDO:0009310, OMIM 233710.

Submission:

Labcorp Genetics (formerly Invitae), Labcorp
Classification: Uncertain significance for Granulomatous disease, chronic, autosomal recessive, cytochrome b-positive, type 2. Last evaluated: 2020-07-08. Review status: criteria provided, single submitter. Criteria: Invitae Variant Classification Sherloc (09022015). Collection method: clinical testing. Allele origin: germline.
Comment: In summary, the available evidence is currently insufficient to determine the role of this variant in disease. Therefore, it has been classified as a Variant of Uncertain Significance. Algorithms developed to predict the effect of missense changes on protein structure and function are either unavailable or do not agree on the potential impact of this missense change (SIFT: "Tolerated"; PolyPhen-2: "Probably Damaging"; Align-GVGD: "Class C0"). This variant has not been reported in the literature in individuals with NCF2-related conditions. This variant is not present in population databases (ExAC no frequency). This sequence change replaces alanine with valine at codon 132 of the NCF2 protein (p.Ala132Val). The alanine residue is highly conserved and there is a small physicochemical difference between alanine and valine.

NM_000433.4(NCF2):c.395C>T (p.Ala132Val)

Gene: NCF2 (neutrophil cytosolic factor 2; minus strand). Cytogenetic location: 1q25.3.
Variant type: single nucleotide variant.
Coding change: c.395C>T on transcript NM_000433.4 (MANE Select); coding-DNA position 395, C replaced by T.
Protein change: p.Ala132Val; replaces alanine 132 with valine.
Molecular consequence: missense variant. On other transcripts: intron variant (2).
Genome position (GRCh38, 1-based): chr1:183,574,593, G>A on the plus strand (C>T on the coding strand, the complement: NCF2 is on the minus strand). VCF-style: chr1-183574593-G-A. GRCh37 (hg19) VCF-style: chr1-183543728-G-A.
Other names: c.395C>T, p.Ala132Val (NM_001127651.3); c.366+3006C>T (NM_001190789.2); c.367-1301C>T (NM_001190794.2); short protein forms A132V.
Identifiers: ClinVar variation 1039998 (VCV001039998.9), dbSNP rs1672715788, ClinGen allele CA343677880.